The following is an entry in ClinVar:

NM_030943.4(AMN):c.1255dup (p.Leu419fs)

Gene: AMN (amnion associated transmembrane protein; plus strand). Cytogenetic location: 14q32.32.
Variant type: Duplication.
Coding change: c.1255dup on transcript NM_030943.4 (MANE Select); coding-DNA position 1255, one base duplicated (C; older notation c.1255dupC).
Protein change: p.Leu419fs; shifts the reading frame from leucine 419.
Molecular consequence: frameshift variant.
Genome position (GRCh38, 1-based): chr14:102,930,491, C duplicated. VCF-style (leftmost placement, unchanged base first): chr14-102930490-G-GC. GRCh37 (hg19) VCF-style: chr14-103396827-G-GC.
Other names: c.1093dup, p.Leu365Profs (NM_001425246.1); short protein forms L419fs.
Identifiers: ClinVar variation 2902916 (VCV002902916.3), dbSNP rs1303690601, ClinGen allele CA616581886.
Genomic context (GRCh38, chr14:102,930,490, plus strand): 5'-CCCGGCTGGAGCGCCCCTCGGCTTCCGCAACCCGGTGTTCGACGTGACGGCCTCCGAGGA[G>GC]CTGGTGAGGGGGCTGGAGGGGGGACCGGGGCCTCCTCGGGGCCGGGACTCGGCGCCGACC-3'

ClinVar aggregate classification (germline): Pathogenic (1 of 4 stars; one submission).

Conditions:
Imerslund-Grasbeck syndrome. Also called: ENTEROCYTE COBALAMIN MALABSORPTION; ENTEROCYTE INTRINSIC FACTOR RECEPTOR, DEFECT OF; Imerslund-Gräsbeck syndrome; Megaloblastic anemia due to inborn errors of metabolism; PERNICIOUS ANEMIA, JUVENILE, DUE TO SELECTIVE INTESTINAL MALABSORPTION OF VITAMIN B12, WITH PROTEINURIA. Identifiers: Orphanet 35858, MedGen C4551825, MONDO:0009853.

Allele frequency attached by ClinVar (database versions not stated): gnomAD exomes below 0.00001; TOPMed below 0.00001.

Submission:

Labcorp Genetics (formerly Invitae), Labcorp
Classification: Pathogenic for Imerslund-Grasbeck syndrome. Last evaluated: 2023-12-31. Review status: criteria provided, single submitter. Criteria: Invitae Variant Classification Sherloc (09022015). Collection method: clinical testing. Allele origin: germline.
Comment: This sequence change results in a frameshift in the AMN gene (p.Leu419Profs*). While this is not anticipated to result in nonsense mediated decay, it is expected to disrupt the last 35 amino acid(s) of the AMN protein and extend the protein by an uncertain number of additional amino acid residues. This variant is present in population databases (no rsID available, gnomAD 0.002%). This variant has not been reported in the literature in individuals affected with AMN-related conditions. This variant results in an extension of the AMN protein. Other variant(s) that result in a similarly extended protein product (p.His438Glnfs*) have been determined to be pathogenic (PMID: 22929189). This suggests that these extensions are likely to be disease-causing. For these reasons, this variant has been classified as Pathogenic.

Literature cited by the submitters: PubMed 22929189.